The following is an entry in ClinVar:

NM_025009.5(CEP135):c.2740A>G (p.Ile914Val)

Gene: CEP135 (centrosomal protein 135; plus strand). Cytogenetic location: 4q12.
Variant type: single nucleotide variant.
Coding change: c.2740A>G on transcript NM_025009.5 (MANE Select); coding-DNA position 2740, A replaced by G.
Protein change: p.Ile914Val; replaces isoleucine 914 with valine.
Molecular consequence: missense variant.
Genome position (GRCh38, 1-based): chr4:56,011,923, A>G. VCF-style: chr4-56011923-A-G. GRCh37 (hg19) VCF-style: chr4-56878089-A-G.
Other names: c.2740A>G (NM_025009.3); short protein forms I914V.
Identifiers: ClinVar variation 1445131 (VCV001445131.5), dbSNP rs371154393, ClinGen allele CA2928239.

ClinVar aggregate classification (germline): Uncertain significance. Review status: criteria provided, multiple submitters, no conflicts (2 of 4 stars). 2 submissions from 2 submitters: Uncertain significance (2). Last evaluated 2024-12-30.

Conditions:
Inborn genetic diseases. Identifiers: MedGen C0950123, MeSH D030342.

gnomAD v4.1: 48 of 1,601,088 alleles (0.003%); highest among the groups gnomAD compares: Admixed American, 0.012%; no homozygotes.

Submissions (2):

Labcorp Genetics (formerly Invitae), Labcorp
Classification: Uncertain significance. Last evaluated: 2024-12-30. Review status: criteria provided, single submitter. Criteria: Invitae Variant Classification Sherloc (09022015). Collection method: clinical testing. Allele origin: germline.
Comment: This sequence change replaces isoleucine, which is neutral and non-polar, with valine, which is neutral and non-polar, at codon 914 of the CEP135 protein (p.Ile914Val). This variant is present in population databases (rs371154393, gnomAD 0.02%). This variant has not been reported in the literature in individuals affected with CEP135-related conditions. ClinVar contains an entry for this variant (Variation ID: 1445131). An algorithm developed to predict the effect of missense changes on protein structure and function outputs the following: PolyPhen-2: "Benign". The valine amino acid residue is found in multiple mammalian species, which suggests that this missense change does not adversely affect protein function. In summary, the available evidence is currently insufficient to determine the role of this variant in disease. Therefore, it has been classified as a Variant of Uncertain Significance.

Ambry Genetics
Classification: Uncertain significance for Inborn genetic diseases. Last evaluated: 2023-04-07. Review status: criteria provided, single submitter. Criteria: Ambry Variant Classification Scheme 2023. Collection method: clinical testing. Allele origin: germline.